The following is an entry in ClinVar:

ClinVar aggregate classification (germline): Uncertain significance (1 of 4 stars; one submission).

gnomAD v4.1: 4 of 1,612,750 alleles (0.00025%); highest among the groups gnomAD compares: African/African-American, 0.0053%; no homozygotes.

Submission:

Labcorp Genetics (formerly Invitae), Labcorp
Classification: Uncertain significance. Last evaluated: 2023-08-18. Review status: criteria provided, single submitter. Criteria: Invitae Variant Classification Sherloc (09022015). Collection method: clinical testing. Allele origin: germline.
Comment: In summary, the available evidence is currently insufficient to determine the role of this variant in disease. Therefore, it has been classified as a Variant of Uncertain Significance. An algorithm developed to predict the effect of missense changes on protein structure and function (PolyPhen-2) suggests that this variant is likely to be tolerated. ClinVar contains an entry for this variant (Variation ID: 1942731). This variant has not been reported in the literature in individuals affected with EFTUD2-related conditions. This variant is present in population databases (no rsID available, gnomAD 0.01%). This sequence change replaces methionine, which is neutral and non-polar, with leucine, which is neutral and non-polar, at codon 36 of the EFTUD2 protein (p.Met36Leu).

NM_004247.4(EFTUD2):c.106A>T (p.Met36Leu)

Gene: EFTUD2 (elongation factor Tu GTP binding domain containing 2; minus strand). Cytogenetic location: 17q21.31.
Variant type: single nucleotide variant.
Coding change: c.106A>T on transcript NM_004247.4 (MANE Select); coding-DNA position 106, A replaced by T.
Protein change: p.Met36Leu; replaces methionine 36 with leucine.
Molecular consequence: missense variant. On other transcripts: initiator codon variant (1).
Genome position (GRCh38, 1-based): chr17:44,886,750, T>A on the plus strand (A>T on the coding strand, the complement: EFTUD2 is on the minus strand). VCF-style: chr17-44886750-T-A. GRCh37 (hg19) VCF-style: chr17-42964118-T-A.
Other names: c.1A>T, p.Met1Leu (NM_001142605.2); c.106A>T, p.Met36Leu (NM_001258353.2, NM_001258354.2); short protein forms M1L, M36L.
Identifiers: ClinVar variation 1942731 (VCV001942731.6), dbSNP rs372603308, ClinGen allele CA399826743.